The following is an entry in ClinVar:

ClinVar aggregate classification (germline): Uncertain significance (1 of 4 stars; one submission).

Submission:

Labcorp Genetics (formerly Invitae), Labcorp
Classification: Uncertain significance. Last evaluated: 2025-10-05. Review status: criteria provided, single submitter. Criteria: Invitae Variant Classification Sherloc (09022015). Collection method: clinical testing. Allele origin: germline.
Comment: This sequence change replaces tyrosine, which is neutral and polar, with cysteine, which is neutral and slightly polar, at codon 75 of the EFNB1 protein (p.Tyr75Cys). This variant is not present in population databases (gnomAD no frequency). This variant has not been reported in the literature in individuals affected with EFNB1-related conditions. Invitae Evidence Modeling of protein sequence and biophysical properties (such as structural, functional, and spatial information, amino acid conservation, physicochemical variation, residue mobility, and thermodynamic stability) has been performed for this missense variant. However, the output from this modeling did not meet the statistical confidence thresholds required to predict the impact of this variant on EFNB1 protein function. In summary, the available evidence is currently insufficient to determine the role of this variant in disease. Therefore, it has been classified as a Variant of Uncertain Significance.

NM_004429.5(EFNB1):c.224A>G (p.Tyr75Cys)

Gene: EFNB1 (ephrin B1; plus strand). Cytogenetic location: Xq13.1.
Variant type: single nucleotide variant.
Coding change: c.224A>G on transcript NM_004429.5 (MANE Select); coding-DNA position 224, A replaced by G.
Protein change: p.Tyr75Cys; replaces tyrosine 75 with cysteine.
Molecular consequence: missense variant.
Genome position (GRCh38, 1-based): chrX:68,838,712, A>G. VCF-style: chrX-68838712-A-G. GRCh37 (hg19) VCF-style: chrX-68058555-A-G.
Other names: short protein forms Y75C.
Identifiers: ClinVar variation 4743643 (VCV004743643.1).